The following is an entry in ClinVar:

ClinVar aggregate classification (germline): Uncertain significance. Review status: criteria provided, multiple submitters, no conflicts (2 of 4 stars). 2 submissions from 2 submitters: Uncertain significance (2). Last evaluated 2024-08-05.

Conditions:
Hereditary cancer-predisposing syndrome. Also called: Neoplastic Syndromes, Hereditary; Tumor predisposition; Hereditary Cancer Syndrome; Hereditary neoplastic syndrome. Identifiers: Orphanet 140162, MedGen C0027672, MeSH D009386, MONDO:0015356.
Mitochondrial complex II deficiency, nuclear type 1. Also called: SUCCINATE CoQ REDUCTASE DEFICIENCY. Identifiers: Orphanet 3208, MedGen C5700310, MONDO:0100294, OMIM 252011.
Pheochromocytoma/paraganglioma syndrome 5. Also called: Paragangliomas 5; SDHA-Related Hereditary Paraganglioma-Pheochromocytoma Syndrome. Identifiers: Orphanet 29072, MedGen C3279992, MONDO:0013602, OMIM 614165.

Submissions (2):

Ambry Genetics
Classification: Uncertain significance for Hereditary cancer-predisposing syndrome. Last evaluated: 2024-08-05. Review status: criteria provided, single submitter. Criteria: Ambry Variant Classification Scheme 2023. Collection method: clinical testing. Allele origin: germline.
Comment: The p.G39R variant (also known as c.115G>A), located in coding exon 2 of the SDHA gene, results from a G to A substitution at nucleotide position 115. The glycine at codon 39 is replaced by arginine, an amino acid with dissimilar properties. This amino acid position is conserved. In addition, the in silico prediction for this alteration is inconclusive. Based on the available evidence, the clinical significance of this variant remains unclear.

Labcorp Genetics (formerly Invitae), Labcorp
Classification: Uncertain significance for Pheochromocytoma/paraganglioma syndrome 5; Mitochondrial complex II deficiency, nuclear type 1. Last evaluated: 2023-10-19. Review status: criteria provided, single submitter. Criteria: Invitae Variant Classification Sherloc (09022015). Collection method: clinical testing. Allele origin: germline.
Comment: This sequence change replaces glycine, which is neutral and non-polar, with arginine, which is basic and polar, at codon 39 of the SDHA protein (p.Gly39Arg). This variant is not present in population databases (gnomAD no frequency). This variant has not been reported in the literature in individuals affected with SDHA-related conditions. Advanced modeling of protein sequence and biophysical properties (such as structural, functional, and spatial information, amino acid conservation, physicochemical variation, residue mobility, and thermodynamic stability) performed at Invitae indicates that this missense variant is not expected to disrupt SDHA protein function. In summary, the available evidence is currently insufficient to determine the role of this variant in disease. Therefore, it has been classified as a Variant of Uncertain Significance.

NM_004168.4(SDHA):c.115G>A (p.Gly39Arg)

Gene: SDHA (succinate dehydrogenase complex flavoprotein subunit A; plus strand). Cytogenetic location: 5p15.33.
Variant type: single nucleotide variant.
Coding change: c.115G>A on transcript NM_004168.4 (MANE Select); coding-DNA position 115, G replaced by A.
Protein change: p.Gly39Arg; replaces glycine 39 with arginine.
Molecular consequence: missense variant.
Genome position (GRCh38, 1-based): chr5:223,533, G>A. VCF-style: chr5-223533-G-A. GRCh37 (hg19) VCF-style: chr5-223648-G-A.
Other names: c.115G>A (NM_004168.2); c.115G>A, p.Gly39Arg (NM_001294332.2, NM_001330758.2); short protein forms G39R.
Identifiers: ClinVar variation 2932596 (VCV002932596.4), dbSNP rs2477280523, ClinGen allele CA359008187.